The following is an entry in ClinVar:

NM_002160.4(TNC):c.2930C>T (p.Ala977Val)

Gene: TNC (tenascin C; minus strand). Cytogenetic location: 9q33.1.
Variant type: single nucleotide variant.
Coding change: c.2930C>T on transcript NM_002160.4 (MANE Select); coding-DNA position 2930, C replaced by T.
Protein change: p.Ala977Val; replaces alanine 977 with valine.
Molecular consequence: missense variant.
Genome position (GRCh38, 1-based): chr9:115,076,052, G>A on the plus strand (C>T on the coding strand, the complement: TNC is on the minus strand). VCF-style: chr9-115076052-G-A. GRCh37 (hg19) VCF-style: chr9-117838331-G-A.
Other names: c.2930C>T, p.Ala977Val (NM_001410991.1); short protein forms A977V.
Identifiers: ClinVar variation 3808743 (VCV003808743.2).

ClinVar aggregate classification (germline): Uncertain significance. Review status: criteria provided, multiple submitters, no conflicts (2 of 4 stars). 2 submissions from 2 submitters: Uncertain significance (2). Last evaluated 2025-04-15.

Conditions:
TNC-related disorder. Also called: TNC-related condition.

gnomAD v4.1: 17 of 1,614,070 alleles (0.0011%); highest among the groups gnomAD compares: African/African-American, 0.004%; no homozygotes.

Submissions (2):

PreventionGenetics, part of Exact Sciences
Classification: Uncertain significance for TNC-related condition. Last evaluated: 2025-04-15. Review status: criteria provided, single submitter. Criteria: ACMG Guidelines, 2015. Collection method: clinical testing. Allele origin: germline.
Comment: The TNC c.2930C>T variant is predicted to result in the amino acid substitution p.Ala977Val. To our knowledge, this variant has not been reported in the literature. This variant is reported in 0.012% of alleles in individuals of African descent in gnomAD. Although we suspect that this variant may be benign, at this time, the clinical significance of this variant is uncertain due to the absence of conclusive functional and genetic evidence.

Ambry Genetics
Classification: Uncertain significance. Last evaluated: 2025-01-18. Review status: criteria provided, single submitter. Criteria: Ambry Variant Classification Scheme 2023. Collection method: clinical testing. Allele origin: germline.